The following is an entry in ClinVar:

NM_005050.4(ABCD4):c.1402G>A (p.Gly468Arg)

Gene: ABCD4 (ATP binding cassette subfamily D member 4; minus strand). Cytogenetic location: 14q24.3.
Variant type: single nucleotide variant.
Coding change: c.1402G>A on transcript NM_005050.4 (MANE Select); coding-DNA position 1402, G replaced by A.
Protein change: p.Gly468Arg; replaces glycine 468 with arginine.
Molecular consequence: missense variant. On other transcripts: non-coding transcript variant (1).
Genome position (GRCh38, 1-based): chr14:74,290,044, C>T on the plus strand (G>A on the coding strand, the complement: ABCD4 is on the minus strand). VCF-style: chr14-74290044-C-T. GRCh37 (hg19) VCF-style: chr14-74756747-C-T.
Other names: c.1276G>A, p.Gly426Arg (NM_001353591.2, NM_001353592.2); c.1141G>A, p.Gly381Arg (NM_001353593.2); c.1090G>A, p.Gly364Arg (NM_001353594.2); c.988G>A, p.Gly330Arg (NM_001353595.2, NM_001353596.2); c.937G>A, p.Gly313Arg (NM_001353597.2); c.925G>A, p.Gly309Arg (NM_001353598.2, NM_001353599.2, NM_001353600.2 and 2 more transcripts); c.613G>A, p.Gly205Arg (NM_001353602.2, NM_001353603.2, NM_001353604.2 and 6 more transcripts); c.1402G>A, p.Gly468Arg (NM_020325.3); short protein forms G205R, G309R, G313R, G330R, G364R, G381R, G426R, G468R.
Identifiers: ClinVar variation 1026083 (VCV001026083.8), dbSNP rs1360319567, ClinGen allele CA390380630.

ClinVar aggregate classification (germline): Uncertain significance (1 of 4 stars; one submission).

Conditions:
Methylmalonic acidemia with homocystinuria, type cblJ (MAHCJ). Also called: METHYLMALONIC ACIDURIA AND HOMOCYSTINURIA, cblJ TYPE. Identifiers: Orphanet 369955, MedGen C3553915, MONDO:0013925, OMIM 614857.

Allele frequency attached by ClinVar (database versions not stated): gnomAD exomes below 0.00001; gnomAD 0.00001; TOPMed 0.00002.

Submission:

Labcorp Genetics (formerly Invitae), Labcorp
Classification: Uncertain significance for Methylmalonic acidemia with homocystinuria, type cblJ. Last evaluated: 2020-06-21. Review status: criteria provided, single submitter. Criteria: Invitae Variant Classification Sherloc (09022015). Collection method: clinical testing. Allele origin: germline.
Comment: In summary, the available evidence is currently insufficient to determine the role of this variant in disease. Therefore, it has been classified as a Variant of Uncertain Significance. Algorithms developed to predict the effect of sequence changes on RNA splicing suggest that this variant may create or strengthen a splice site, but this prediction has not been confirmed by published transcriptional studies. Algorithms developed to predict the effect of missense changes on protein structure and function (SIFT, PolyPhen-2, Align-GVGD) all suggest that this variant is likely to be disruptive, but these predictions have not been confirmed by published functional studies and their clinical significance is uncertain. This variant has not been reported in the literature in individuals with ABCD4-related conditions. This variant is not present in population databases (ExAC no frequency). This sequence change replaces glycine with arginine at codon 468 of the ABCD4 protein (p.Gly468Arg). The glycine residue is highly conserved and there is a moderate physicochemical difference between glycine and arginine.